The following is an entry in ClinVar:

ClinVar aggregate classification (germline): Uncertain significance (1 of 4 stars; one submission).

Submission:

GeneDx
Classification: Uncertain significance. Last evaluated: 2024-10-28. Review status: criteria provided, single submitter. Criteria: GeneDx Variant Classification Process June 2021. Collection method: clinical testing. Allele origin: germline. Affected: yes.
Comment: Not observed at significant frequency in large population cohorts (gnomAD); In silico analysis indicates that this missense variant does not alter protein structure/function; Has not been previously published as pathogenic or benign to our knowledge

NM_000884.3(IMPDH2):c.403G>A (p.Ala135Thr)

Gene: IMPDH2 (inosine monophosphate dehydrogenase 2; minus strand). Cytogenetic location: 3p21.31.
Variant type: single nucleotide variant.
Coding change: c.403G>A on transcript NM_000884.3 (MANE Select); coding-DNA position 403, G replaced by A.
Protein change: p.Ala135Thr; replaces alanine 135 with threonine.
Molecular consequence: missense variant.
Genome position (GRCh38, 1-based): chr3:49,027,838, C>T on the plus strand (G>A on the coding strand, the complement: IMPDH2 is on the minus strand). VCF-style: chr3-49027838-C-T. GRCh37 (hg19) VCF-style: chr3-49065271-C-T.
Other names: c.403G>A, p.Ala135Thr (NM_001410759.1); c.328G>A, p.Ala110Thr (NM_001410760.1, NM_001410761.1); short protein forms A110T, A135T.
Identifiers: ClinVar variation 3893632 (VCV003893632.1).